The following is an entry in ClinVar:

ClinVar aggregate classification (germline): Uncertain significance (1 of 4 stars; one submission).

Submission:

Labcorp Genetics (formerly Invitae), Labcorp
Classification: Uncertain significance. Last evaluated: 2025-07-13. Review status: criteria provided, single submitter. Criteria: Invitae Variant Classification Sherloc (09022015). Collection method: clinical testing. Allele origin: germline.
Comment: This sequence change replaces proline, which is neutral and non-polar, with arginine, which is basic and polar, at codon 209 of the ICOSLG protein (p.Pro209Arg). This variant is present in population databases (rs746178901, gnomAD 0.001%). This variant has not been reported in the literature in individuals affected with ICOSLG-related conditions. An algorithm developed to predict the effect of missense changes on protein structure and function (PolyPhen-2) suggests that this variant is likely to be disruptive. In summary, the available evidence is currently insufficient to determine the role of this variant in disease. Therefore, it has been classified as a Variant of Uncertain Significance.

NM_015259.6(ICOSLG):c.626C>G (p.Pro209Arg)

Gene: ICOSLG (inducible T cell costimulator ligand; minus strand). Cytogenetic location: 21q22.3.
Variant type: single nucleotide variant.
Coding change: c.626C>G on transcript NM_015259.6 (MANE Select); coding-DNA position 626, C replaced by G.
Protein change: p.Pro209Arg; replaces proline 209 with arginine.
Molecular consequence: missense variant.
Genome position (GRCh38, 1-based): chr21:44,235,343, G>C on the plus strand (C>G on the coding strand, the complement: ICOSLG is on the minus strand). VCF-style: chr21-44235343-G-C. GRCh37 (hg19) VCF-style: chr21-45655226-G-C.
Other names: c.626C>G, p.Pro209Arg (NM_001283050.2, NM_001395918.1); c.275C>G, p.Pro92Arg (NM_001283051.2); c.371C>G, p.Pro124Arg (NM_001283052.2); c.545C>G, p.Pro182Arg (NM_001365759.2); short protein forms P124R, P182R, P209R, P92R.
Identifiers: ClinVar variation 4811615 (VCV004811615.1).